The following is an entry in ClinVar:

ClinVar aggregate classification (germline): Conflicting classifications of pathogenicity. Review status: criteria provided, conflicting classifications (1 of 4 stars). 3 submissions from 3 submitters: Uncertain significance (1); Likely benign (2). Last evaluated 2026-08-26.

Conditions:
NPHP3-related disorder. Also called: NPHP3-related disorders; NPHP3-related condition. Identifiers: MedGen CN379163.
Nephronophthisis. Also called: Juvenile Nephronophthisis. Identifiers: Orphanet 655, MedGen C0687120, MONDO:0019005, HP:0000090.

Allele frequency attached by ClinVar (database versions not stated): TOPMed 0.00002.
gnomAD v4.1: 11 of 1,613,112 alleles (0.00068%); highest among the groups gnomAD compares: Admixed American, 0.0017%; no homozygotes.

Submissions (3):

PreventionGenetics, part of Exact Sciences
Classification: Likely benign for NPHP3-related condition. Last evaluated: 2026-08-26. Review status: criteria provided, single submitter. Criteria: ACMG Guidelines, 2015. Collection method: clinical testing. Allele origin: germline.
Comment: This variant is classified as likely benign based on ACMG/AMP sequence variant interpretation guidelines (Richards et al. 2015 PMID: 25741868, with internal and published modifications).

Labcorp Genetics (formerly Invitae), Labcorp
Classification: Likely benign for Nephronophthisis. Last evaluated: 2025-10-20. Review status: criteria provided, single submitter. Criteria: Invitae Variant Classification Sherloc (09022015). Collection method: clinical testing. Allele origin: germline.

Eurofins Ntd Llc (ga)
Classification: Uncertain significance. Last evaluated: 2017-11-08. Review status: criteria provided, single submitter. Criteria: EGL Classification Definitions 2015. Collection method: clinical testing. Allele origin: germline. Observed: 1 variant allele, 1 heterozygote.

NM_153240.5(NPHP3):c.2311-6A>C

Genes: NPHP3 (nephrocystin 3; minus strand), NPHP3-ACAD11 (NPHP3-ACAD11 readthrough (NMD candidate); minus strand). Cytogenetic location: 3q22.1.
Variant type: single nucleotide variant.
Coding change: c.2311-6A>C on transcript NM_153240.5 (MANE Select); 6 bases into the intron before coding-DNA position 2311, A replaced by C.
Molecular consequence: intron variant.
Genome position (GRCh38, 1-based): chr3:132,692,824, T>G on the plus strand (A>C on the coding strand, the complement: NPHP3 is on the minus strand). VCF-style: chr3-132692824-T-G. GRCh37 (hg19) VCF-style: chr3-132411668-T-G.
Other names: c.2311-6A>C (NM_153240.4).
Identifiers: ClinVar variation 594936 (VCV000594936.14), dbSNP rs769918347, ClinGen allele CA83587360.